The following is an entry in ClinVar:

ClinVar aggregate classification (germline): Pathogenic (1 of 4 stars; one submission).

Conditions:
Inborn genetic diseases. Identifiers: MedGen C0950123, MeSH D030342.

gnomAD v4.1: 2 of 1,614,136 alleles (0.00012%); highest among the groups gnomAD compares: Non-Finnish European, 0.00017%; no homozygotes.

Submission:

Ambry Genetics
Classification: Pathogenic for Inborn genetic diseases. Last evaluated: 2025-05-15. Review status: criteria provided, single submitter. Criteria: Ambry Variant Classification Scheme 2023. Collection method: clinical testing. Allele origin: germline.
Comment: The p.Q443* pathogenic mutation (also known as c.1327C>T), located in coding exon 5 of the MBD4 gene, results from a C to T substitution at nucleotide position 1327. This changes the amino acid from a glutamine to a stop codon within coding exon 5. This variant is considered to be rare based on population cohorts in the Genome Aggregation Database (gnomAD). This alteration is expected to result in loss of function by premature protein truncation or nonsense-mediated mRNA decay. As such, this alteration is interpreted as a disease-causing mutation.

NM_001276270.2(MBD4):c.1327C>T (p.Gln443Ter)

Gene: MBD4 (methyl-CpG binding domain 4, DNA glycosylase; minus strand). Cytogenetic location: 3q21.3.
Variant type: single nucleotide variant.
Coding change: c.1327C>T on transcript NM_001276270.2 (MANE Select); coding-DNA position 1327, C replaced by T.
Protein change: p.Gln443Ter; replaces glutamine 443 with a stop codon.
Molecular consequence: nonsense.
Genome position (GRCh38, 1-based): chr3:129,433,916, G>A on the plus strand (C>T on the coding strand, the complement: MBD4 is on the minus strand). VCF-style: chr3-129433916-G-A. GRCh37 (hg19) VCF-style: chr3-129152759-G-A.
Other names: c.1345C>T, p.Gln449Ter (NM_001276271.2, NM_001276272.2, NM_003925.3); c.391C>T, p.Gln131Ter (NM_001276273.2); short protein forms Q449*, Q443*, Q131*.
Identifiers: ClinVar variation 4052229 (VCV004052229.1).